The following is an entry in ClinVar:

ClinVar aggregate classification (germline): Benign (1 of 4 stars; one submission).

Allele frequency attached by ClinVar (database versions not stated): ExAC 0.00002.

Submission:

CeGaT Center for Human Genetics Tuebingen
Classification: Benign. Last evaluated: 2023-07-01. Review status: criteria provided, single submitter. Criteria: CeGaT Center For Human Genetics Tuebingen Variant Classification Criteria Version 2. Collection method: clinical testing. Allele origin: germline. Affected: yes. Observed: 1 variant allele.
Comment: AHNAK2: BP4, BP7, BS1, BS2

NM_138420.4(AHNAK2):c.6153G>A (p.Gln2051=)

Gene: AHNAK2 (AHNAK nucleoprotein 2; minus strand). Cytogenetic location: 14q32.33.
Variant type: single nucleotide variant.
Coding change: c.6153G>A on transcript NM_138420.4 (MANE Select); coding-DNA position 6153, G replaced by A.
Protein change: p.Gln2051=; no amino-acid change (glutamine 2051 retained).
Molecular consequence: synonymous variant.
Genome position (GRCh38, 1-based): chr14:104,949,298, C>T on the plus strand (G>A on the coding strand, the complement: AHNAK2 is on the minus strand). VCF-style: chr14-104949298-C-T. GRCh37 (hg19) VCF-style: chr14-105415635-C-T.
Other names: c.5853G>A, p.Gln1951= (NM_001350929.2).
Identifiers: ClinVar variation 2644751 (VCV002644751.24), dbSNP rs746489602, ClinGen allele CA7381306.